The following is an entry in ClinVar:

NM_003737.4(DCHS1):c.8153A>G (p.Asn2718Ser)

Gene: DCHS1 (dachsous cadherin-related 1; minus strand). Cytogenetic location: 11p15.4.
Variant type: single nucleotide variant.
Coding change: c.8153A>G on transcript NM_003737.4 (MANE Select); coding-DNA position 8153, A replaced by G.
Protein change: p.Asn2718Ser; replaces asparagine 2718 with serine.
Molecular consequence: missense variant.
Genome position (GRCh38, 1-based): chr11:6,623,523, T>C on the plus strand (A>G on the coding strand, the complement: DCHS1 is on the minus strand). VCF-style: chr11-6623523-T-C. GRCh37 (hg19) VCF-style: chr11-6644754-T-C.
Other names: short protein forms N2718S.
Identifiers: ClinVar variation 2763924 (VCV002763924.3), dbSNP rs1359844316, ClinGen allele CA379481603.
Genomic context (GRCh38, chr11:6,623,523, plus strand): 5'-AAAGCCCCAGCATCCCCGTCGATTGCATGCAGAGTGGTCACGAGAGTGCCTGGAGGCTGA[T>C]TCTCGGCCACGCTGGTGCTGAGTAAGTTCAGTGGGAAGGCTGGGCCATGATCATTCACAT-3'
Protein context (NP_003728.1, residues 2708-2728): LNLLSTSVAE[Asn2718Ser]QPPGTLVTTL

ClinVar aggregate classification (germline): Uncertain significance (1 of 4 stars; one submission).

Allele frequency attached by ClinVar (database versions not stated): gnomAD exomes 0.00001.
gnomAD v4.1: 3 of 1,606,670 alleles (0.00019%); highest among the groups gnomAD compares: Middle Eastern, 0.017%; no homozygotes.

Submission:

Labcorp Genetics (formerly Invitae), Labcorp
Classification: Uncertain significance. Last evaluated: 2023-11-25. Review status: criteria provided, single submitter. Criteria: Invitae Variant Classification Sherloc (09022015). Collection method: clinical testing. Allele origin: germline.
Comment: This sequence change replaces asparagine, which is neutral and polar, with serine, which is neutral and polar, at codon 2718 of the DCHS1 protein (p.Asn2718Ser). This variant is present in population databases (no rsID available, gnomAD 0.003%). This variant has not been reported in the literature in individuals affected with DCHS1-related conditions. Advanced modeling of protein sequence and biophysical properties (such as structural, functional, and spatial information, amino acid conservation, physicochemical variation, residue mobility, and thermodynamic stability) performed at Invitae indicates that this missense variant is not expected to disrupt DCHS1 protein function with a negative predictive value of 80%. In summary, the available evidence is currently insufficient to determine the role of this variant in disease. Therefore, it has been classified as a Variant of Uncertain Significance.